The following is an entry in ClinVar:

NM_001631.5(ALPI):c.1185G>A (p.Gly395=)

Gene: ALPI (alkaline phosphatase, intestinal; plus strand). Cytogenetic location: 2q37.1.
Variant type: single nucleotide variant.
Coding change: c.1185G>A on transcript NM_001631.5 (MANE Select); coding-DNA position 1185, G replaced by A.
Protein change: p.Gly395=; no amino-acid change (glycine 395 retained).
Molecular consequence: synonymous variant.
Genome position (GRCh38, 1-based): chr2:232,458,633, G>A. VCF-style: chr2-232458633-G-A. GRCh37 (hg19) VCF-style: chr2-233323343-G-A.
Identifiers: ClinVar variation 3047811 (VCV003047811.2), dbSNP rs140144385, ClinGen allele CA2166712.

ClinVar aggregate classification (germline): Likely benign (0 of 4 stars; one submission).

Conditions:
ALPI-related disorder. Also called: ALPI-related condition.

Allele frequency attached by ClinVar (database versions not stated): gnomAD 0.00006; ESP Exome Variant Server 0.00031.

Submission:

PreventionGenetics, part of Exact Sciences
Classification: Likely benign for ALPI-related condition. Last evaluated: 2019-02-26. Review status: no assertion criteria provided. Collection method: clinical testing. Allele origin: germline.
Comment: This variant is classified as likely benign based on ACMG/AMP sequence variant interpretation guidelines (Richards et al. 2015 PMID: 25741868, with internal and published modifications).